The following is an entry in ClinVar:

NM_000540.3(RYR1):c.3862C>G (p.Leu1288Val)

Gene: RYR1 (ryanodine receptor 1; plus strand). Cytogenetic location: 19q13.2.
Variant type: single nucleotide variant.
Coding change: c.3862C>G on transcript NM_000540.3 (MANE Select); coding-DNA position 3862, C replaced by G.
Protein change: p.Leu1288Val; replaces leucine 1288 with valine.
Molecular consequence: missense variant.
Genome position (GRCh38, 1-based): chr19:38,473,473, C>G. VCF-style: chr19-38473473-C-G. GRCh37 (hg19) VCF-style: chr19-38964113-C-G.
Other names: c.3862C>G, p.Leu1288Val (NM_001042723.2); short protein forms L1288V.
Identifiers: ClinVar variation 4158402 (VCV004158402.2).

ClinVar aggregate classification (germline): Uncertain significance. Review status: criteria provided, multiple submitters, no conflicts (2 of 4 stars). 2 submissions from 2 submitters: Uncertain significance (2). Last evaluated 2025-07-02.

Conditions:
Malignant hyperthermia, susceptibility to, 1 (MHS1). Also called: RYR1-Related Malignant Hyperthermia Susceptibility; Malignant hyperthermia suceptibility 1; Anesthesia related hyperthermia; Malignant hyperpyrexia; Fulminating hyperpyrexia; Pharmacogenic myopathy. Identifiers: Orphanet 423, MedGen C2930980, MONDO:0007783, OMIM 145600.
Inborn genetic diseases. Identifiers: MedGen C0950123, MeSH D030342.

gnomAD v4.1: 3 of 1,613,790 alleles (0.00019%); highest among the groups gnomAD compares: African/African-American, 0.004%; no homozygotes.

Submissions (2):

Ambry Genetics
Classification: Uncertain significance for Inborn genetic diseases. Last evaluated: 2025-07-02. Review status: criteria provided, single submitter. Criteria: Ambry Variant Classification Scheme 2023. Collection method: clinical testing. Allele origin: germline.

Color Diagnostics, LLC DBA Color Health
Classification: Uncertain significance for Malignant hyperthermia, susceptibility to, 1. Last evaluated: 2025-06-09. Review status: criteria provided, single submitter. Criteria: ACMG Guidelines, 2015. Collection method: clinical testing. Allele origin: germline.
Comment: This missense variant replaces leucine with valine at codon 1288 of the RYR1 protein. Computational prediction suggests that this variant may not impact protein structure and function. To our knowledge, functional studies have not been reported for this variant. This variant has not been reported in individuals affected with RYR1-related disorders in the literature. This variant has been identified in 1/249406 chromosomes in the general population by the Genome Aggregation Database (gnomAD). The available evidence is insufficient to determine the role of this variant in disease conclusively. Therefore, this variant is classified as a Variant of Uncertain Significance.